The following is an entry in ClinVar:

NM_000878.5(IL2RB):c.1547C>T (p.Pro516Leu)

Gene: IL2RB (interleukin 2 receptor subunit beta; minus strand). Cytogenetic location: 22q12.3.
Variant type: single nucleotide variant.
Coding change: c.1547C>T on transcript NM_000878.5 (MANE Select); coding-DNA position 1547, C replaced by T.
Protein change: p.Pro516Leu; replaces proline 516 with leucine.
Molecular consequence: missense variant.
Genome position (GRCh38, 1-based): chr22:37,128,205, G>A on the plus strand (C>T on the coding strand, the complement: IL2RB is on the minus strand). VCF-style: chr22-37128205-G-A. GRCh37 (hg19) VCF-style: chr22-37524245-G-A.
Other names: c.1547C>T, p.Pro516Leu (NM_001346222.1, NM_001346223.2); c.1547C>T (NM_000878.2); short protein forms P516L.
Identifiers: ClinVar variation 1406893 (VCV001406893.8), dbSNP rs200831371, ClinGen allele CA10216306.

ClinVar aggregate classification (germline): Uncertain significance. Review status: criteria provided, multiple submitters, no conflicts (2 of 4 stars). 2 submissions from 2 submitters: Uncertain significance (2). Last evaluated 2025-07-31.

Allele frequency attached by ClinVar (database versions not stated): gnomAD exomes 0.00002 and 0.00006; ExAC 0.00007; ESP Exome Variant Server 0.00008; gnomAD 0.00015; TOPMed 0.00017; 1000 Genomes Project 0.00040; 1000 Genomes Project 30x 0.00047.
gnomAD v4.1: 54 of 1,520,190 alleles (0.0036%); highest among the groups gnomAD compares: African/African-American, 0.046%; no homozygotes.

Submissions (2):

Labcorp Genetics (formerly Invitae), Labcorp
Classification: Uncertain significance. Last evaluated: 2025-07-31. Review status: criteria provided, single submitter. Criteria: Invitae Variant Classification Sherloc (09022015). Collection method: clinical testing. Allele origin: germline.
Comment: This sequence change replaces proline, which is neutral and non-polar, with leucine, which is neutral and non-polar, at codon 516 of the IL2RB protein (p.Pro516Leu). This variant is present in population databases (rs200831371, gnomAD 0.08%). This variant has not been reported in the literature in individuals affected with IL2RB-related conditions. ClinVar contains an entry for this variant (Variation ID: 1406893). An algorithm developed to predict the effect of missense changes on protein structure and function outputs the following: PolyPhen-2: "Benign". The leucine amino acid residue is found in multiple mammalian species, which suggests that this missense change does not adversely affect protein function. In summary, the available evidence is currently insufficient to determine the role of this variant in disease. Therefore, it has been classified as a Variant of Uncertain Significance.

Ambry Genetics
Classification: Uncertain significance. Last evaluated: 2023-10-30. Review status: criteria provided, single submitter. Criteria: Ambry Variant Classification Scheme 2023. Collection method: clinical testing. Allele origin: germline.